The following is an entry in ClinVar:

ClinVar aggregate classification (germline): Conflicting classifications of pathogenicity. Review status: criteria provided, conflicting classifications (1 of 4 stars). 7 submissions from 7 submitters: Uncertain significance (6); Likely benign (1). Last evaluated 2026-01-20.

Conditions:
Hereditary breast ovarian cancer syndrome. Also called: Hereditary breast and ovarian cancer syndrome; Hereditary breast and/or ovarian cancer syndrome; BRCA1- and BRCA2-Associated Hereditary Breast and Ovarian Cancer; Hereditary breast and ovarian cancer syndrome (HBOC); Hereditary breast and ovarian cancer; Breast and ovarian cancer. Identifiers: Orphanet 145, MedGen C0677776, MeSH D061325, MONDO:0003582. Disease mechanism: loss of function.
Breast-ovarian cancer, familial, susceptibility to, 2 (BROVCA2). Also called: BRCA2 Hereditary Breast and Ovarian Cancer. Identifiers: Orphanet 145, MedGen C2675520, MONDO:0012933, OMIM 612555. Disease mechanism: loss of function.
Hereditary cancer-predisposing syndrome. Also called: Hereditary neoplastic syndrome; Neoplastic Syndromes, Hereditary; Tumor predisposition; Hereditary Cancer Syndrome. Identifiers: Orphanet 140162, MedGen C0027672, MeSH D009386, MONDO:0015356.
Familial cancer of breast. Also called: Hereditary breast cancer; hereditary breast carcinoma; BREAST CANCER, FAMILIAL. Identifiers: Orphanet 227535, MedGen C0346153, MONDO:0016419, OMIM 114480. Disease mechanism: loss of function.

Allele frequency attached by ClinVar (database versions not stated): gnomAD exomes below 0.00001; TOPMed below 0.00001; gnomAD 0.00001.
gnomAD v4.1: 4 of 1,613,910 alleles (0.00025%); highest among the groups gnomAD compares: Non-Finnish European, 0.00025%; no homozygotes.

Submissions (7):

Labcorp Genetics (formerly Invitae), Labcorp
Classification: Uncertain significance for Hereditary breast ovarian cancer syndrome. Last evaluated: 2026-01-20. Review status: criteria provided, single submitter. Criteria: Invitae Variant Classification Sherloc (09022015). Collection method: clinical testing. Allele origin: germline.
Comment: This sequence change replaces alanine, which is neutral and non-polar, with serine, which is neutral and polar, at codon 3148 of the BRCA2 protein (p.Ala3148Ser). This variant is present in population databases (no rsID available, gnomAD 0.007%). This missense change has been observed in individual(s) with breast cancer and/or clinical features of Lynch syndrome (PMID: 25980754, 35264596, 35534704). ClinVar contains an entry for this variant (Variation ID: 409411). Invitae Evidence Modeling of protein sequence and biophysical properties (such as structural, functional, and spatial information, amino acid conservation, physicochemical variation, residue mobility, and thermodynamic stability) indicates that this missense variant is not expected to disrupt BRCA2 protein function with a negative predictive value of 95%. In summary, the available evidence is currently insufficient to determine the role of this variant in disease. Therefore, it has been classified as a Variant of Uncertain Significance.

Color Diagnostics, LLC DBA Color Health
Classification: Uncertain significance for Hereditary cancer-predisposing syndrome. Last evaluated: 2025-06-11. Review status: criteria provided, single submitter. Criteria: ACMG Guidelines, 2015. Collection method: clinical testing. Allele origin: germline.
Comment: This missense variant replaces alanine with serine at codon 3148 of the BRCA2 protein. Computational prediction is inconclusive regarding the impact of this variant on protein structure and function. To our knowledge, functional studies have not been reported for this variant. This variant has been reported in an individual suspected of having Lynch syndrome (PMID: 25980754). This variant has been identified in 1/31392 chromosomes in the general population by the Genome Aggregation Database (gnomAD). The available evidence is insufficient to determine the role of this variant in disease conclusively. Therefore, this variant is classified as a Variant of Uncertain Significance.

All of Us Research Program, National Institutes of Health
Classification: Uncertain significance for Breast-ovarian cancer, familial, susceptibility to, 2. Last evaluated: 2023-11-30. Review status: criteria provided, single submitter. Criteria: ACMG Guidelines, 2015. Collection method: clinical testing. Allele origin: germline. Inheritance: Autosomal dominant inheritance. Observed: 1 variant allele, 1 heterozygote.
Comment: This study involves interpretation of variants in research participants for the purpose of population health screening. Participant phenotype was not available at the time of variant classification. Additional details can be found in publication PMID: 35346344, PMCID: PMC8962531

Ambry Genetics
Classification: Likely benign for Hereditary cancer-predisposing syndrome. Last evaluated: 2020-08-18. Review status: criteria provided, single submitter. Criteria: Ambry Variant Classification Scheme 2023. Collection method: clinical testing. Allele origin: germline.

Department of Pathology and Laboratory Medicine, Sinai Health System
Classification: Uncertain significance for Familial cancer of breast; Breast-ovarian cancer, familial, susceptibility to, 2. Last evaluated: 2020-04-30. Review status: criteria provided, single submitter. Criteria: ACMG Guidelines, 2015. Collection method: clinical testing. Allele origin: germline. Affected: yes.

Mendelics
Classification: Uncertain significance for Breast-ovarian cancer, familial, susceptibility to, 2. Last evaluated: 2019-05-28. Review status: criteria provided, single submitter. Criteria: Mendelics Assertion Criteria 2017. Collection method: clinical testing. Allele origin: unknown.

Quest Diagnostics Nichols Institute San Juan Capistrano
Classification: Uncertain significance. Last evaluated: 2016-11-22. Review status: criteria provided, single submitter. Criteria: Quest Diagnostics criteria. Collection method: clinical testing. Allele origin: germline.

Literature cited by the submitters: PubMed 25980754 (cited by 4 submitters); PubMed 35264596 (cited by Labcorp Genetics (formerly Invitae), Labcorp); PubMed 35534704 (cited by Labcorp Genetics (formerly Invitae), Labcorp).

NM_000059.4(BRCA2):c.9442G>T (p.Ala3148Ser)

Gene: BRCA2 (BRCA2 DNA repair associated; plus strand). Cytogenetic location: 13q13.1.
Variant type: single nucleotide variant.
Coding change: c.9442G>T on transcript NM_000059.4 (MANE Select); coding-DNA position 9442, G replaced by T.
Protein change: p.Ala3148Ser; replaces alanine 3148 with serine.
Molecular consequence: missense variant.
Genome position (GRCh38, 1-based): chr13:32,394,874, G>T. VCF-style: chr13-32394874-G-T. GRCh37 (hg19) VCF-style: chr13-32969011-G-T.
Other names: short protein forms A3148S.
Identifiers: ClinVar variation 409411 (VCV000409411.23), dbSNP rs949790323, ClinGen allele CA16613976.